The following is an entry in ClinVar:

ClinVar aggregate classification (germline): Uncertain significance (1 of 4 stars; one submission).

Submission:

Ambry Genetics
Classification: Uncertain significance. Last evaluated: 2024-11-14. Review status: criteria provided, single submitter. Criteria: Ambry Variant Classification Scheme 2023. Collection method: clinical testing. Allele origin: germline.
Comment: The p.P261S variant (also known as c.781C>T), located in coding exon 6 of the RINT1 gene, results from a C to T substitution at nucleotide position 781. The proline at codon 261 is replaced by serine, an amino acid with similar properties. This amino acid position is conserved. In addition, this alteration is predicted to be tolerated by in silico analysis. Based on the available evidence, the clinical significance of this variant remains unclear.

NM_021930.6(RINT1):c.781C>T (p.Pro261Ser)

Gene: RINT1 (RAD50 interactor 1; plus strand). Cytogenetic location: 7q22.3.
Variant type: single nucleotide variant.
Coding change: c.781C>T on transcript NM_021930.6 (MANE Select); coding-DNA position 781, C replaced by T.
Protein change: p.Pro261Ser; replaces proline 261 with serine.
Molecular consequence: missense variant. On other transcripts: 5 prime UTR variant (2), non-coding transcript variant (1), intron variant (1).
Genome position (GRCh38, 1-based): chr7:105,547,275, C>T. VCF-style: chr7-105547275-C-T. GRCh37 (hg19) VCF-style: chr7-105187722-C-T.
Other names: c.547C>T, p.Pro183Ser (NM_001346599.2); c.-239C>T (NM_001346600.2); c.-142C>T (NM_001346601.2); c.-27-2780C>T (NM_001346603.2); short protein forms P183S, P261S.
Identifiers: ClinVar variation 3433650 (VCV003433650.1).